The following is an entry in ClinVar:

NM_004006.3(DMD):c.4995C>T (p.Ser1665=)

Gene: DMD (dystrophin; minus strand). Cytogenetic location: Xp21.1.
Variant type: single nucleotide variant.
Coding change: c.4995C>T on transcript NM_004006.3 (MANE Select); coding-DNA position 4995, C replaced by T.
Protein change: p.Ser1665=; no amino-acid change (serine 1665 retained).
Molecular consequence: synonymous variant.
Genome position (GRCh38, 1-based): chrX:32,365,050, G>A on the plus strand (C>T on the coding strand, the complement: DMD is on the minus strand). VCF-style: chrX-32365050-G-A. GRCh37 (hg19) VCF-style: chrX-32383167-G-A.
Other names: c.4971C>T, p.Ser1657= (NM_000109.4); c.4983C>T, p.Ser1661= (NM_004009.3); c.4626C>T, p.Ser1542= (NM_004010.3); c.972C>T, p.Ser324= (NM_004011.4); c.963C>T, p.Ser321= (NM_004012.4).
Identifiers: ClinVar variation 502148 (VCV000502148.26), dbSNP rs775659020, ClinGen allele CA10378812.

ClinVar aggregate classification (germline): Conflicting classifications of pathogenicity. Review status: criteria provided, conflicting classifications (1 of 4 stars). 5 submissions from 5 submitters: Uncertain significance (1); Benign (1); Likely benign (2). 1 of the submissions does not count toward it. Last evaluated 2025-06-16.

Conditions:
Duchenne muscular dystrophy (DMD). Also called: MUSCULAR DYSTROPHY, PSEUDOHYPERTROPHIC PROGRESSIVE, DUCHENNE TYPE; Duchenne Muscular Dystrophy (DMD). Identifiers: Orphanet 98896, MedGen C0013264, MONDO:0010679, OMIM 310200.
Cardiomyopathy (CMYO). Also called: Cardiomyopathies. Identifiers: Orphanet 167848, MedGen C0878544, MONDO:0004994, HP:0001638. Inheritance: Various modes of inheritance.
Dystrophin deficiency.
Becker muscular dystrophy (BMD). Also called: MUSCULAR DYSTROPHY, PSEUDOHYPERTROPHIC PROGRESSIVE, BECKER TYPE; Becker Muscular Dystrophy (BMD). Identifiers: Orphanet 98895, MedGen C0917713, MONDO:0010311, OMIM 300376.
Cardiovascular phenotype. Identifiers: MedGen CN230736.

Allele frequency attached by ClinVar (database versions not stated): gnomAD 0.00001; ExAC 0.00002; gnomAD exomes 0.00002; TOPMed 0.00002.
gnomAD v4.1: 17 of 1,208,249 alleles (0.0014%); highest among the groups gnomAD compares: Non-Finnish European, 0.0019%; no homozygotes.

Submissions (5):

Labcorp Genetics (formerly Invitae), Labcorp
Classification: Benign for Duchenne muscular dystrophy. Last evaluated: 2025-06-16. Review status: criteria provided, single submitter. Criteria: Invitae Variant Classification Sherloc (09022015). Collection method: clinical testing. Allele origin: germline.

CeGaT Center for Human Genetics Tuebingen
Classification: Likely benign. Last evaluated: 2025-06-01. Review status: criteria provided, single submitter. Criteria: CeGaT Center For Human Genetics Tuebingen Variant Classification Criteria Version 2. Collection method: clinical testing. Allele origin: germline. Affected: yes. Observed: 1 variant allele.
Comment: DMD: BP4, BP7, BS2

Ambry Genetics
Classification: Likely benign for Cardiovascular phenotype. Last evaluated: 2020-09-20. Review status: criteria provided, single submitter. Criteria: Ambry Variant Classification Scheme 2023. Collection method: clinical testing. Allele origin: germline.

Eurofins Ntd Llc (ga)
Classification: Uncertain significance. Last evaluated: 2017-05-25. Review status: criteria provided, single submitter. Criteria: EGL Classification Definitions 2015. Collection method: clinical testing. Allele origin: germline. Observed: 1 variant allele, 1 hemizygote.

Natera, Inc.
Classification: Likely benign for Becker muscular dystrophy; Cardiomyopathy; Duchenne muscular dystrophy; Dystrophin deficiency. Last evaluated: 2018-11-28. Review status: no assertion criteria provided. Collection method: clinical testing. Allele origin: germline. Not counted in ClinVar's aggregate classification.